The following is an entry in ClinVar:

NM_000081.4(LYST):c.6347C>T (p.Thr2116Met)

Gene: LYST (lysosomal trafficking regulator; minus strand). Cytogenetic location: 1q42.3.
Variant type: single nucleotide variant.
Coding change: c.6347C>T on transcript NM_000081.4 (MANE Select); coding-DNA position 6347, C replaced by T.
Protein change: p.Thr2116Met; replaces threonine 2116 with methionine.
Molecular consequence: missense variant.
Genome position (GRCh38, 1-based): chr1:235,759,506, G>A on the plus strand (C>T on the coding strand, the complement: LYST is on the minus strand). VCF-style: chr1-235759506-G-A. GRCh37 (hg19) VCF-style: chr1-235922806-G-A.
Other names: c.6347C>T, p.Thr2116Met (NM_001301365.1); short protein forms T2116M.
Identifiers: ClinVar variation 1391662 (VCV001391662.3), dbSNP rs7541041, ClinGen allele CA1466384.

ClinVar aggregate classification (germline): Uncertain significance (1 of 4 stars; one submission).

Conditions:
Chédiak-Higashi syndrome (CHS). Also called: Chediak-Higashi Syndrome. Identifiers: Orphanet 167, MedGen C0007965, MONDO:0008963, OMIM 214500.

Allele frequency attached by ClinVar (database versions not stated): gnomAD exomes 0.00001; TOPMed 0.00001; gnomAD 0.00002; ExAC 0.00004.

Submission:

Labcorp Genetics (formerly Invitae), Labcorp
Classification: Uncertain significance for Chédiak-Higashi syndrome. Last evaluated: 2022-03-22. Review status: criteria provided, single submitter. Criteria: Invitae Variant Classification Sherloc (09022015). Collection method: clinical testing. Allele origin: germline.
Comment: This sequence change replaces threonine, which is neutral and polar, with methionine, which is neutral and non-polar, at codon 2116 of the LYST protein (p.Thr2116Met). This variant is present in population databases (rs7541041, gnomAD 0.01%). This variant has not been reported in the literature in individuals affected with LYST-related conditions. Algorithms developed to predict the effect of missense changes on protein structure and function output the following: SIFT: "Tolerated"; PolyPhen-2: "Benign"; Align-GVGD: "Class C0". The methionine amino acid residue is found in multiple mammalian species, which suggests that this missense change does not adversely affect protein function. In summary, the available evidence is currently insufficient to determine the role of this variant in disease. Therefore, it has been classified as a Variant of Uncertain Significance.